The following is an entry in ClinVar:

ClinVar aggregate classification (germline): Uncertain significance (1 of 4 stars; one submission).

Conditions:
ALG1-congenital disorder of glycosylation. Also called: ALG1-CDG; CONGENITAL DISORDER OF GLYCOSYLATION, TYPE Ik; CDG Ik. Identifiers: Orphanet 79327, MedGen C2931005, MONDO:0012052, OMIM 608540.

Allele frequency attached by ClinVar (database versions not stated): gnomAD 0.00001.
gnomAD v4.1: 1 of 1,596,356 alleles (0.000063%); highest among the groups gnomAD compares: African/African-American, 0.0013%; no homozygotes.

Submission:

Labcorp Genetics (formerly Invitae), Labcorp
Classification: Uncertain significance for ALG1-congenital disorder of glycosylation. Last evaluated: 2022-07-05. Review status: criteria provided, single submitter. Criteria: Invitae Variant Classification Sherloc (09022015). Collection method: clinical testing. Allele origin: germline.
Comment: In summary, the available evidence is currently insufficient to determine the role of this variant in disease. Therefore, it has been classified as a Variant of Uncertain Significance. Advanced modeling of protein sequence and biophysical properties (such as structural, functional, and spatial information, amino acid conservation, physicochemical variation, residue mobility, and thermodynamic stability) performed at Invitae indicates that this missense variant is not expected to disrupt ALG1 protein function. This variant has not been reported in the literature in individuals affected with ALG1-related conditions. This variant is not present in population databases (gnomAD no frequency). This sequence change replaces glutamine, which is neutral and polar, with histidine, which is basic and polar, at codon 455 of the ALG1 protein (p.Gln455His).

NM_019109.5(ALG1):c.1365G>C (p.Gln455His)

Genes: ALG1 (ALG1 chitobiosyldiphosphodolichol beta-mannosyltransferase; plus strand), EEF2KMT (eukaryotic elongation factor 2 lysine methyltransferase; minus strand). Cytogenetic location: 16p13.3.
Variant type: single nucleotide variant.
Coding change: c.1365G>C on transcript NM_019109.5 (MANE Select); coding-DNA position 1365, G replaced by C.
Protein change: p.Gln455His; replaces glutamine 455 with histidine.
Molecular consequence: missense variant. On other transcripts: 3 prime UTR variant (3).
Genome position (GRCh38, 1-based): chr16:5,084,851, G>C. VCF-style: chr16-5084851-G-C. GRCh37 (hg19) VCF-style: chr16-5134852-G-C.
Other names: c.*781C>G (NM_001289029.2, NM_201400.4, NM_201598.4); c.1032G>C, p.Gln344His (NM_001330504.2); short protein forms Q455H, Q344H.
Identifiers: ClinVar variation 2045388 (VCV002045388.4), dbSNP rs924785074, ClinGen allele CA394675005.